The following is an entry in ClinVar:

ClinVar aggregate classification (germline): Pathogenic (1 of 4 stars; one submission).

Conditions:
Lethal congenital contracture syndrome 11 (LCCS11). Identifiers: MedGen C4310670, MONDO:0014965, OMIM 617194.

Submission:

Juno Genomics, Hangzhou Juno Genomics, Inc
Classification: Pathogenic for Lethal congenital contracture syndrome 11. Review status: criteria provided, single submitter. Criteria: ACMG Guidelines, 2015. Collection method: clinical testing. Allele origin: germline. Affected: yes.
Comment: Null variant in a gene where loss of function (LOF) is a known mechanism of disease.;Absent from controls (or at extremely low frequency if recessive) in Genome Aggregation Database, Exome Sequencing Project, 1000 Genomes Project, or Exome Aggregation Consortium.;Patient's phenotype or family history is highly specific for a disease with a single genetic etiology.

NM_181789.4(GLDN):c.139dup (p.Ala47fs)

Gene: GLDN (gliomedin; plus strand). Cytogenetic location: 15q21.2.
Variant type: Duplication.
Coding change: c.139dup on transcript NM_181789.4 (MANE Select); coding-DNA position 139, one base duplicated (G; older notation c.139dupG).
Protein change: p.Ala47fs; shifts the reading frame from alanine 47.
Molecular consequence: frameshift variant.
Genome position (GRCh38, 1-based): chr15:51,341,823, G duplicated; the last of 2 consecutive G bases (chr15:51,341,822-51,341,823); duplicating either gives the same sequence. VCF-style (leftmost placement, unchanged base first): chr15-51341821-C-CG. GRCh37 (hg19) VCF-style: chr15-51634018-C-CG.
Other names: short protein forms A47fs.
Identifiers: ClinVar variation 3382965 (VCV003382965.2).
Genomic context (GRCh38, chr15:51,341,821, plus strand): 5'-TCTCGGCGCTCAACGCTGCGGGCACGGTGTTCGCGCTGTGCCAGTGGCGCGGGCTGAGCT[C>CG]GGCGCTGCGGGCTTTGGAGGCGCAGCGGGGCCGGGAGCAGCGCGAGGACAGTGCCCTGCG-3'